The following is an entry in ClinVar:

NM_001466.4(FZD2):c.978C>T (p.Gly326=)

Gene: FZD2 (frizzled class receptor 2; plus strand). Cytogenetic location: 17q21.31.
Variant type: single nucleotide variant.
Coding change: c.978C>T on transcript NM_001466.4 (MANE Select); coding-DNA position 978, C replaced by T.
Protein change: p.Gly326=; no amino-acid change (glycine 326 retained).
Molecular consequence: synonymous variant.
Genome position (GRCh38, 1-based): chr17:44,558,666, C>T. VCF-style: chr17-44558666-C-T. GRCh37 (hg19) VCF-style: chr17-42636034-C-T.
Other names: c.978C>T (NM_001466.3).
Identifiers: ClinVar variation 1574466 (VCV001574466.34), dbSNP rs373390114, ClinGen allele CA8604730.

ClinVar aggregate classification (germline): Benign/Likely benign. Review status: criteria provided, multiple submitters, no conflicts (2 of 4 stars). 4 submissions from 4 submitters: Benign (1); Likely benign (2). 1 of the submissions does not count toward it. Last evaluated 2026-01-12.

Conditions:
FZD2-related disorder. Also called: FZD2-related condition.

Allele frequency attached by ClinVar (database versions not stated): TOPMed 0.00006; ESP Exome Variant Server 0.00008; gnomAD 0.00016 and 0.00001; gnomAD exomes 0.00030 and 0.00061; ExAC 0.00064; 1000 Genomes Project 30x 0.00094; 1000 Genomes Project 0.00100.

Submissions (4):

Labcorp Genetics (formerly Invitae), Labcorp
Classification: Benign. Last evaluated: 2026-01-12. Review status: criteria provided, single submitter. Criteria: Invitae Variant Classification Sherloc (09022015). Collection method: clinical testing. Allele origin: germline.

CeGaT Center for Human Genetics Tuebingen
Classification: Likely benign. Last evaluated: 2025-08-01. Review status: criteria provided, single submitter. Criteria: CeGaT Center For Human Genetics Tuebingen Variant Classification Criteria Version 2. Collection method: clinical testing. Allele origin: germline. Affected: yes. Observed: 2 variant alleles.
Comment: FZD2: BP4, BP7

Blueprint Genetics
Classification: Likely benign. Last evaluated: 2024-11-22. Review status: criteria provided, single submitter. Criteria: ACMG Guidelines, 2015. Collection method: clinical testing. Allele origin: germline.

PreventionGenetics, part of Exact Sciences
Classification: Benign for FZD2-related condition. Last evaluated: 2019-06-05. Review status: no assertion criteria provided. Collection method: clinical testing. Allele origin: germline. Not counted in ClinVar's aggregate classification.
Comment: This variant is classified as benign based on ACMG/AMP sequence variant interpretation guidelines (Richards et al. 2015 PMID: 25741868, with internal and published modifications).